The following is an entry in ClinVar:

ClinVar aggregate classification (germline): Uncertain significance (1 of 4 stars; one submission).

Conditions:
DICER1-related tumor predisposition. Also called: DICER1 syndrome; DICER1-related pleuropulmonary blastoma cancer predisposition syndrome. Identifiers: Orphanet 284343, MedGen C3839822, MONDO:0100216.

Submission:

Labcorp Genetics (formerly Invitae), Labcorp
Classification: Uncertain significance for DICER1-related tumor predisposition. Last evaluated: 2024-01-17. Review status: criteria provided, single submitter. Criteria: Invitae Variant Classification Sherloc (09022015). Collection method: clinical testing. Allele origin: germline.
Comment: This sequence change replaces glutamic acid, which is acidic and polar, with glycine, which is neutral and non-polar, at codon 221 of the DICER1 protein (p.Glu221Gly). This variant is not present in population databases (gnomAD no frequency). This variant has not been reported in the literature in individuals affected with DICER1-related conditions. Advanced modeling of protein sequence and biophysical properties (such as structural, functional, and spatial information, amino acid conservation, physicochemical variation, residue mobility, and thermodynamic stability) performed at Invitae indicates that this missense variant is not expected to disrupt DICER1 protein function with a negative predictive value of 80%. In summary, the available evidence is currently insufficient to determine the role of this variant in disease. Therefore, it has been classified as a Variant of Uncertain Significance.

NM_177438.3(DICER1):c.662A>G (p.Glu221Gly)

Gene: DICER1 (dicer 1, ribonuclease III; minus strand). Cytogenetic location: 14q32.13.
Variant type: single nucleotide variant.
Coding change: c.662A>G on transcript NM_177438.3 (MANE Select); coding-DNA position 662, A replaced by G.
Protein change: p.Glu221Gly; replaces glutamic acid 221 with glycine.
Molecular consequence: missense variant. On other transcripts: non-coding transcript variant (6), 5 prime UTR variant (1).
Genome position (GRCh38, 1-based): chr14:95,129,544, T>C on the plus strand (A>G on the coding strand, the complement: DICER1 is on the minus strand). VCF-style: chr14-95129544-T-C. GRCh37 (hg19) VCF-style: chr14-95595881-T-C.
Other names: c.257A>G, p.Glu86Gly (NM_001395698.1, NM_001395687.1, NM_001395688.1 and 3 more transcripts); c.662A>G, p.Glu221Gly (NM_001395699.1, NM_001395700.1, NM_030621.4 and 15 more transcripts); c.380A>G, p.Glu127Gly (NM_001395686.1); c.95A>G, p.Glu32Gly (NM_001395691.1); c.-907A>G (NM_001395697.1); short protein forms E127G, E86G, E221G, E32G.
Identifiers: ClinVar variation 2709760 (VCV002709760.3), dbSNP rs757925350, ClinGen allele CA390888116.
Genomic context (GRCh38, chr14:95,129,544, plus strand): 5'-ACCAGGTCAGTTGCAGTTTCAGCATTACTCTTAAGAATTTTCTCTAGTTTCTGAATCTTT[T>C]CTTCCAATTCCTCTGGATCACATTTCCCATTTAAAATGGAAGCAGTTAGTCCCAAAATGC-3'
Protein context (NP_803187.1, residues 211-231): NGKCDPEELE[Glu221Gly]KIQKLEKILK